The following is an entry in ClinVar:

ClinVar aggregate classification (germline): Conflicting classifications of pathogenicity. Review status: criteria provided, conflicting classifications (1 of 4 stars). 3 submissions from 3 submitters: Uncertain significance (2); Likely benign (1). Last evaluated 2025-02-09.

Conditions:
Hereditary breast ovarian cancer syndrome. Also called: BRCA1- and BRCA2-Associated Hereditary Breast and Ovarian Cancer; Hereditary breast and ovarian cancer syndrome (HBOC); Hereditary breast and/or ovarian cancer syndrome; Breast and ovarian cancer; Hereditary breast and ovarian cancer; Hereditary breast and ovarian cancer syndrome. Identifiers: Orphanet 145, MedGen C0677776, MeSH D061325, MONDO:0003582. Disease mechanism: loss of function.
Hereditary cancer-predisposing syndrome. Also called: Neoplastic Syndromes, Hereditary; Hereditary neoplastic syndrome; Tumor predisposition; Hereditary Cancer Syndrome. Identifiers: Orphanet 140162, MedGen C0027672, MeSH D009386, MONDO:0015356.
Familial cancer of breast. Also called: hereditary breast carcinoma; BREAST CANCER, FAMILIAL; Hereditary breast cancer. Identifiers: Orphanet 227535, MedGen C0346153, MONDO:0016419, OMIM 114480. Disease mechanism: loss of function.
Fanconi anemia complementation group J. Also called: BRIP1-Related Fanconi Anemia. Identifiers: Orphanet 84, MedGen C1836860, MONDO:0012187, OMIM 609054.

Allele frequency attached by ClinVar (database versions not stated): gnomAD exomes below 0.00001; ExAC 0.00001.
gnomAD v4.1: 1 of 1,613,166 alleles (0.000062%); highest among the groups gnomAD compares: South Asian, 0.0011%; no homozygotes.

Submissions (3):

Ambry Genetics
Classification: Uncertain significance for Hereditary cancer-predisposing syndrome. Last evaluated: 2025-02-09. Review status: criteria provided, single submitter. Criteria: Ambry Variant Classification Scheme 2023. Collection method: clinical testing. Allele origin: germline.
Comment: The p.S520T variant (also known as c.1559G>C), located in coding exon 10 of the BRIP1 gene, results from a G to C substitution at nucleotide position 1559. The serine at codon 520 is replaced by threonine, an amino acid with similar properties. This amino acid position is conserved. In addition, the in silico prediction for this alteration is inconclusive. Based on the available evidence, the clinical significance of this variant remains unclear.

Labcorp Genetics (formerly Invitae), Labcorp
Classification: Uncertain significance for Familial cancer of breast; Fanconi anemia complementation group J. Last evaluated: 2025-01-20. Review status: criteria provided, single submitter. Criteria: Invitae Variant Classification Sherloc (09022015). Collection method: clinical testing. Allele origin: germline.
Comment: This sequence change replaces serine, which is neutral and polar, with threonine, which is neutral and polar, at codon 520 of the BRIP1 protein (p.Ser520Thr). This variant is present in population databases (rs757629526, gnomAD 0.003%). This variant has not been reported in the literature in individuals affected with BRIP1-related conditions. ClinVar contains an entry for this variant (Variation ID: 1679010). Invitae Evidence Modeling of protein sequence and biophysical properties (such as structural, functional, and spatial information, amino acid conservation, physicochemical variation, residue mobility, and thermodynamic stability) indicates that this missense variant is not expected to disrupt BRIP1 protein function with a negative predictive value of 95%. In summary, the available evidence is currently insufficient to determine the role of this variant in disease. Therefore, it has been classified as a Variant of Uncertain Significance.

National Health Laboratory Service, Universitas Academic Hospital and University of the Free State
Classification: Likely benign for Hereditary breast ovarian cancer syndrome. Last evaluated: 2022-04-19. Review status: criteria provided, single submitter. Criteria: ACMG Guidelines, 2015. Collection method: clinical testing. Allele origin: germline. Affected: yes. Observed: 1 variant allele.

NM_032043.3(BRIP1):c.1559G>C (p.Ser520Thr)

Gene: BRIP1 (BRCA1 interacting DNA helicase 1; minus strand). Cytogenetic location: 17q23.2.
Variant type: single nucleotide variant.
Coding change: c.1559G>C on transcript NM_032043.3 (MANE Select); coding-DNA position 1559, G replaced by C.
Protein change: p.Ser520Thr; replaces serine 520 with threonine.
Molecular consequence: missense variant.
Genome position (GRCh38, 1-based): chr17:61,784,339, C>G on the plus strand (G>C on the coding strand, the complement: BRIP1 is on the minus strand). VCF-style: chr17-61784339-C-G. GRCh37 (hg19) VCF-style: chr17-59861700-C-G.
Other names: NP_114432.2:p.Ser520Thr; c.1559G>C (NM_032043.2); short protein forms S520T.
Identifiers: ClinVar variation 1679010 (VCV001679010.4), dbSNP rs757629526, ClinGen allele CA8690715.